The following is an entry in ClinVar:

NM_022114.4(PRDM16):c.3621A>T (p.Glu1207Asp)

Gene: PRDM16 (PR/SET domain 16; plus strand). Cytogenetic location: 1p36.32.
Variant type: single nucleotide variant.
Coding change: c.3621A>T on transcript NM_022114.4 (MANE Select); coding-DNA position 3621, A replaced by T.
Protein change: p.Glu1207Asp; replaces glutamic acid 1207 with aspartic acid.
Molecular consequence: missense variant.
Genome position (GRCh38, 1-based): chr1:3,432,065, A>T. VCF-style: chr1-3432065-A-T. GRCh37 (hg19) VCF-style: chr1-3348629-A-T.
Other names: p.Glu1207Asp; c.3621A>T, p.Glu1207Asp (NM_199454.3); short protein forms E1207D.
Identifiers: ClinVar variation 241431 (VCV000241431.42), dbSNP rs199972068, ClinGen allele CA544923.
Genomic context (GRCh38, chr1:3,432,065, plus strand): 5'-GCCGATGCCGACTTTTGGGAAGGGGCTGGACCTCCGCAGAGCAGCTGAGGAAGCATTTGA[A>T]GTTAAAGATGTGCTTAATTCCACCTTAGATTCTGAGGCTTTAAAACATACACTGTGCAGG-3'
Protein context (NP_071397.3, residues 1197-1217): DLRRAAEEAF[Glu1207Asp]VKDVLNSTLD

ClinVar aggregate classification (germline): Conflicting classifications of pathogenicity. Review status: criteria provided, conflicting classifications (1 of 4 stars). 13 submissions from 13 submitters: Uncertain significance (1); Likely benign (6). 6 of the submissions do not count toward it. Last evaluated 2026-06-01.

Conditions:
Inborn genetic diseases. Identifiers: MedGen C0950123, MeSH D030342.
Left ventricular noncompaction 8 (LVNC8). Identifiers: Orphanet 154, Orphanet 54260, MedGen C3809288, MONDO:0014152, OMIM 615373.
PRDM16-related disorder. Also called: PRDM16-related condition.

Allele frequency attached by ClinVar (database versions not stated): 1000 Genomes Project 30x 0.00016; 1000 Genomes Project 0.00020; TOPMed 0.00090; gnomAD exomes 0.00097 and 0.00144; ExAC 0.00099; gnomAD 0.00110 and 0.00117; ESP Exome Variant Server 0.00163.
gnomAD v4.1: 2,239 of 1,614,104 alleles (0.14%); highest among the groups gnomAD compares: Non-Finnish European, 0.18%; 1 homozygote.

Submissions (13):

CeGaT Center for Human Genetics Tuebingen
Classification: Likely benign. Last evaluated: 2026-06-01. Review status: criteria provided, single submitter. Criteria: CeGaT Center For Human Genetics Tuebingen Variant Classification Criteria Version 2. Collection method: clinical testing. Allele origin: germline. Affected: yes. Observed: 3 variant alleles.
Comment: PRDM16: BP4, BS1

Labcorp Genetics (formerly Invitae), Labcorp
Classification: Likely benign for Left ventricular noncompaction 8. Last evaluated: 2026-01-21. Review status: criteria provided, single submitter. Criteria: Invitae Variant Classification Sherloc (09022015). Collection method: clinical testing. Allele origin: germline.

Mayo Clinic Laboratories, Mayo Clinic
Classification: Likely benign. Last evaluated: 2025-10-16. Review status: criteria provided, single submitter. Criteria: ACMG Guidelines, 2015. Collection method: clinical testing. Allele origin: germline. Observed: 4 variant alleles.
Comment: BS1, BS2_supporting, BP4_moderate

Ambry Genetics
Classification: Uncertain significance for Inborn genetic diseases. Last evaluated: 2025-09-22. Review status: criteria provided, single submitter. Criteria: Ambry Variant Classification Scheme 2023. Collection method: clinical testing. Allele origin: germline.

Blueprint Genetics
Classification: Likely benign. Last evaluated: 2024-11-26. Review status: criteria provided, single submitter. Criteria: ACMG Guidelines, 2015. Collection method: clinical testing. Allele origin: germline.

Women's Health and Genetics/Laboratory Corporation of America, LabCorp
Classification: Likely benign. Last evaluated: 2024-09-29. Review status: criteria provided, single submitter. Criteria: LabCorp Variant Classification Summary - May 2015. Collection method: clinical testing. Allele origin: germline.

GeneDx
Classification: Likely benign. Last evaluated: 2020-09-28. Review status: criteria provided, single submitter. Criteria: GeneDx Variant Classification Process June 2021. Collection method: clinical testing. Allele origin: germline. Affected: yes.

PreventionGenetics, part of Exact Sciences
Classification: Likely benign for PRDM16-related condition. Last evaluated: 2022-02-12. Review status: no assertion criteria provided. Collection method: clinical testing. Allele origin: germline. Not counted in ClinVar's aggregate classification.
Comment: This variant is classified as likely benign based on ACMG/AMP sequence variant interpretation guidelines (Richards et al. 2015 PMID: 25741868, with internal and published modifications).

Clinical Genetics DNA and cytogenetics Diagnostics Lab, Erasmus MC, Erasmus Medical Center
Classification: Likely benign. Review status: no assertion criteria provided. Collection method: clinical testing. Allele origin: germline. Affected: yes. Study: VKGL Data-share Consensus. Not counted in ClinVar's aggregate classification.

Clinical Genetics, Academic Medical Center
Classification: Benign. Review status: no assertion criteria provided. Collection method: clinical testing. Allele origin: germline. Affected: yes. Study: VKGL Data-share Consensus. Not counted in ClinVar's aggregate classification.

Diagnostic Laboratory, Department of Genetics, University Medical Center Groningen
Classification: Likely benign. Review status: no assertion criteria provided. Collection method: clinical testing. Allele origin: germline. Affected: yes. Study: VKGL Data-share Consensus. Not counted in ClinVar's aggregate classification.

Genome Diagnostics Laboratory, University Medical Center Utrecht
Classification: Likely benign. Review status: no assertion criteria provided. Collection method: clinical testing. Allele origin: germline. Affected: yes. Study: VKGL Data-share Consensus. Not counted in ClinVar's aggregate classification.

Joint Genome Diagnostic Labs from Nijmegen and Maastricht, Radboudumc and MUMC+
Classification: Benign. Review status: no assertion criteria provided. Collection method: clinical testing. Allele origin: germline. Affected: yes. Study: VKGL Data-share Consensus. Not counted in ClinVar's aggregate classification.